The following is an entry in ClinVar:

NM_002115.3(HK3):c.534G>A (p.Arg178=)

Gene: HK3 (hexokinase 3; minus strand). Cytogenetic location: 5q35.2.
Variant type: single nucleotide variant.
Coding change: c.534G>A on transcript NM_002115.3 (MANE Select); coding-DNA position 534, G replaced by A.
Protein change: p.Arg178=; no amino-acid change (arginine 178 retained).
Molecular consequence: synonymous variant.
Genome position (GRCh38, 1-based): chr5:176,890,822, C>T on the plus strand (G>A on the coding strand, the complement: HK3 is on the minus strand). VCF-style: chr5-176890822-C-T. GRCh37 (hg19) VCF-style: chr5-176317823-C-T.
Identifiers: ClinVar variation 2656097 (VCV002656097.24), dbSNP rs2532573408, ClinGen allele CA447957953.

ClinVar aggregate classification (germline): Uncertain significance (1 of 4 stars; one submission).

Allele frequency attached by ClinVar (database versions not stated): gnomAD exomes below 0.00001.
gnomAD v4.1: 1 of 1,614,170 alleles (0.000062%); highest among the groups gnomAD compares: Non-Finnish European, 0.000085%; no homozygotes.

Submission:

CeGaT Center for Human Genetics Tuebingen
Classification: Uncertain significance. Last evaluated: 2022-11-01. Review status: criteria provided, single submitter. Criteria: CeGaT Center For Human Genetics Tuebingen Variant Classification Criteria Version 2. Collection method: clinical testing. Allele origin: germline. Affected: yes. Observed: 1 variant allele.
Comment: HK3: PM2:Supporting